The following is an entry in ClinVar:

ClinVar aggregate classification (germline): Benign/Likely benign. Review status: criteria provided, multiple submitters, no conflicts (2 of 4 stars). 4 submissions from 4 submitters: Benign (1); Likely benign (3). Last evaluated 2026-01-27.

Conditions:
Pheochromocytoma/paraganglioma syndrome 5. Also called: SDHA-Related Hereditary Paraganglioma-Pheochromocytoma Syndrome; Paragangliomas 5. Identifiers: Orphanet 29072, MedGen C3279992, MONDO:0013602, OMIM 614165.
Mitochondrial complex II deficiency, nuclear type 1. Also called: SUCCINATE CoQ REDUCTASE DEFICIENCY. Identifiers: Orphanet 3208, MedGen C5700310, MONDO:0100294, OMIM 252011.
Hereditary cancer-predisposing syndrome. Also called: Tumor predisposition; Hereditary Cancer Syndrome; Hereditary neoplastic syndrome; Neoplastic Syndromes, Hereditary. Identifiers: Orphanet 140162, MedGen C0027672, MeSH D009386, MONDO:0015356.

Allele frequency attached by ClinVar (database versions not stated): gnomAD 0.00001; gnomAD exomes 0.00001; TOPMed 0.00001; ExAC 0.00002.
gnomAD v4.1: 15 of 1,611,872 alleles (0.00093%); highest among the groups gnomAD compares: Admixed American, 0.0017%; no homozygotes.

Submissions (4):

Labcorp Genetics (formerly Invitae), Labcorp
Classification: Likely benign for Pheochromocytoma/paraganglioma syndrome 5; Mitochondrial complex II deficiency, nuclear type 1. Last evaluated: 2026-01-27. Review status: criteria provided, single submitter. Criteria: Invitae Variant Classification Sherloc (09022015). Collection method: clinical testing. Allele origin: germline.

Myriad Genetics, Inc.
Classification: Benign for Pheochromocytoma/paraganglioma syndrome 5. Last evaluated: 2025-03-10. Review status: criteria provided, single submitter. Criteria: Myriad Autosomal Dominant, Autosomal Recessive and X-Linked Classification Criteria (2023). Collection method: clinical testing. Allele origin: unknown.
Comment: This variant is considered benign. This variant is a silent/synonymous amino acid change and it is not expected to impact splicing.

Blueprint Genetics
Classification: Likely benign. Last evaluated: 2023-11-27. Review status: criteria provided, single submitter. Criteria: ACMG Guidelines, 2015. Collection method: clinical testing. Allele origin: germline.

Ambry Genetics
Classification: Likely benign for Hereditary cancer-predisposing syndrome. Last evaluated: 2020-12-08. Review status: criteria provided, single submitter. Criteria: Ambry Variant Classification Scheme 2023. Collection method: clinical testing. Allele origin: germline.

NM_004168.4(SDHA):c.1644C>T (p.His548=)

Gene: SDHA (succinate dehydrogenase complex flavoprotein subunit A; plus strand). Cytogenetic location: 5p15.33.
Variant type: single nucleotide variant.
Coding change: c.1644C>T on transcript NM_004168.4 (MANE Select); coding-DNA position 1644, C replaced by T.
Protein change: p.His548=; no amino-acid change (histidine 548 retained).
Molecular consequence: synonymous variant. On other transcripts: intron variant (1).
Genome position (GRCh38, 1-based): chr5:251,084, C>T. VCF-style: chr5-251084-C-T. GRCh37 (hg19) VCF-style: chr5-251199-C-T.
Other names: c.1500C>T, p.His500= (NM_001294332.2); c.1552-3309C>T (NM_001330758.2).
Identifiers: ClinVar variation 417244 (VCV000417244.21), dbSNP rs1126427, ClinGen allele CA3173309.